The following is an entry in ClinVar:

NM_001367624.2(ZNF469):c.1132A>G (p.Lys378Glu)

Gene: ZNF469 (zinc finger protein 469; plus strand). Cytogenetic location: 16q24.2.
Variant type: single nucleotide variant.
Coding change: c.1132A>G on transcript NM_001367624.2 (MANE Select); coding-DNA position 1132, A replaced by G.
Protein change: p.Lys378Glu; replaces lysine 378 with glutamic acid.
Molecular consequence: missense variant.
Genome position (GRCh38, 1-based): chr16:88,428,602, A>G. VCF-style: chr16-88428602-A-G. GRCh37 (hg19) VCF-style: chr16-88495010-A-G.
Other names: NM_001127464.1:c.1132A>G; short protein forms K378E.
Identifiers: ClinVar variation 3615599 (VCV003615599.3).
Genomic context (GRCh38, chr16:88,428,602, plus strand): 5'-CCTGGAGCTGCTCACTCGGCCCCGAGACCCTTCTCTGACAGTTTACACAAGAGCCTGACC[A>G]AAATCCTTCCCGAAAGACCACCTTCAGCCCAGGATGGGCTGGGGAGCACGAGAGGGCCCC-3'
Protein context (NP_001354553.1, residues 368-388): FSDSLHKSLT[Lys378Glu]ILPERPPSAQ

ClinVar aggregate classification (germline): Uncertain significance. Review status: criteria provided, multiple submitters, no conflicts (2 of 4 stars). 3 submissions from 3 submitters: Uncertain significance (3). Last evaluated 2025-05-02.

Conditions:
Cardiovascular phenotype. Identifiers: MedGen CN230736.

gnomAD v4.1: 16 of 1,550,006 alleles (0.001%); highest among the groups gnomAD compares: Non-Finnish European, 0.0014%; no homozygotes.

Submissions (3):

Women's Health and Genetics/Laboratory Corporation of America, LabCorp
Classification: Uncertain significance. Last evaluated: 2025-05-02. Review status: criteria provided, single submitter. Criteria: LabCorp Variant Classification Summary - May 2015. Collection method: clinical testing. Allele origin: germline.
Comment: Variant summary: ZNF469 c.1132A>G (p.Lys378Glu) results in a conservative amino acid change in the encoded protein sequence. Algorithms developed to predict the effect of missense changes on protein structure and function all suggest that this variant is likely to be tolerated. The variant was absent in 150216 control chromosomes. The available data on variant occurrences in the general population are insufficient to allow any conclusion about variant significance. To our knowledge, no occurrence of c.1132A>G in individuals affected with Brittle cornea syndrome 1 and no experimental evidence demonstrating its impact on protein function have been reported. ClinVar contains an entry for this variant (Variation ID: 3615599). Based on the evidence outlined above, the variant was classified as uncertain significance.

Ambry Genetics
Classification: Uncertain significance for Cardiovascular phenotype. Last evaluated: 2025-03-14. Review status: criteria provided, single submitter. Criteria: Ambry Variant Classification Scheme 2023. Collection method: clinical testing. Allele origin: germline.
Comment: The p.K378E variant (also known as c.1132A>G), located in coding exon 1 of the ZNF469 gene, results from an A to G substitution at nucleotide position 1132. The lysine at codon 378 is replaced by glutamic acid, an amino acid with similar properties. This amino acid position is conserved. In addition, this alteration is predicted to be tolerated by in silico analysis. Based on the available evidence, the clinical significance of this variant remains unclear.

Labcorp Genetics (formerly Invitae), Labcorp
Classification: Uncertain significance. Last evaluated: 2024-09-15. Review status: criteria provided, single submitter. Criteria: Invitae Variant Classification Sherloc (09022015). Collection method: clinical testing. Allele origin: germline.
Comment: This sequence change replaces lysine, which is basic and polar, with glutamic acid, which is acidic and polar, at codon 378 of the ZNF469 protein (p.Lys378Glu). This variant is present in population databases (no rsID available, gnomAD 0.007%). This variant has not been reported in the literature in individuals affected with ZNF469-related conditions. An algorithm developed to predict the effect of missense changes on protein structure and function outputs the following: PolyPhen-2: "Benign". The glutamic acid amino acid residue is found in multiple mammalian species, which suggests that this missense change does not adversely affect protein function. In summary, the available evidence is currently insufficient to determine the role of this variant in disease. Therefore, it has been classified as a Variant of Uncertain Significance.